The following is an entry in ClinVar:

ClinVar aggregate classification (germline): Uncertain significance (1 of 4 stars; one submission).

Conditions:
Catecholaminergic polymorphic ventricular tachycardia 1. Also called: VENTRICULAR TACHYCARDIA, STRESS-INDUCED POLYMORPHIC 1; VENTRICULAR TACHYCARDIA, CATECHOLAMINERGIC POLYMORPHIC, 1, WITH OR WITHOUT ATRIAL DYSFUNCTION AND/OR DILATED CARDIOMYOPATHY; RYR2-Related Catecholaminergic Polymorphic Ventricular Tachycardia. Identifiers: Orphanet 3286, MedGen C1631597, MONDO:0011484, OMIM 604772.

Submission:

Labcorp Genetics (formerly Invitae), Labcorp
Classification: Uncertain significance for Catecholaminergic polymorphic ventricular tachycardia 1. Last evaluated: 2022-03-19. Review status: criteria provided, single submitter. Criteria: Invitae Variant Classification Sherloc (09022015). Collection method: clinical testing. Allele origin: germline.
Comment: In summary, the available evidence is currently insufficient to determine the role of this variant in disease. Therefore, it has been classified as a Variant of Uncertain Significance. This sequence change replaces aspartic acid, which is acidic and polar, with glycine, which is neutral and non-polar, at codon 997 of the RYR2 protein (p.Asp997Gly). This variant is not present in population databases (gnomAD no frequency). This variant has not been reported in the literature in individuals affected with RYR2-related conditions. Algorithms developed to predict the effect of missense changes on protein structure and function are either unavailable or do not agree on the potential impact of this missense change (SIFT: "Deleterious"; PolyPhen-2: "Benign"; Align-GVGD: "Class C65").

NM_001035.3(RYR2):c.2990A>G (p.Asp997Gly)

Gene: RYR2 (ryanodine receptor 2; plus strand). Cytogenetic location: 1q43.
Variant type: single nucleotide variant.
Coding change: c.2990A>G on transcript NM_001035.3 (MANE Select); coding-DNA position 2990, A replaced by G.
Protein change: p.Asp997Gly; replaces aspartic acid 997 with glycine.
Molecular consequence: missense variant.
Genome position (GRCh38, 1-based): chr1:237,548,514, A>G. VCF-style: chr1-237548514-A-G. GRCh37 (hg19) VCF-style: chr1-237711814-A-G.
Other names: short protein forms D997G.
Identifiers: ClinVar variation 1368781 (VCV001368781.9), dbSNP rs2148090472, ClinGen allele CA345393595.